The following is an entry in ClinVar:

ClinVar aggregate classification (germline): Uncertain significance. Review status: criteria provided, multiple submitters, no conflicts (2 of 4 stars). 2 submissions from 2 submitters: Uncertain significance (2). Last evaluated 2025-04-10.

Conditions:
Autoimmune lymphoproliferative syndrome type 2B. Also called: AUTOIMMUNE LYMPHOPROLIFERATIVE SYNDROME, TYPE IIB. Identifiers: Orphanet 275517, MedGen C1846545, MONDO:0011804, OMIM 607271.

Allele frequency attached by ClinVar (database versions not stated): ExAC 0.00001; gnomAD 0.00001.
gnomAD v4.1: 14 of 1,612,854 alleles (0.00087%); highest among the groups gnomAD compares: East Asian, 0.0022%; no homozygotes.

Submissions (2):

Labcorp Genetics (formerly Invitae), Labcorp
Classification: Uncertain significance for Autoimmune lymphoproliferative syndrome type 2B. Last evaluated: 2025-04-10. Review status: criteria provided, single submitter. Criteria: Invitae Variant Classification Sherloc (09022015). Collection method: clinical testing. Allele origin: germline.
Comment: This sequence change replaces arginine, which is basic and polar, with glutamine, which is neutral and polar, at codon 452 of the CASP8 protein (p.Arg452Gln). This variant also falls at the last nucleotide of exon 9, which is part of the consensus splice site for this exon. This variant is present in population databases (rs746401108, gnomAD 0.003%). This variant has not been reported in the literature in individuals affected with CASP8-related conditions. ClinVar contains an entry for this variant (Variation ID: 2155033). An algorithm developed to predict the effect of missense changes on protein structure and function outputs the following: PolyPhen-2: "Benign". The glutamine amino acid residue is found in multiple mammalian species, which suggests that this missense change does not adversely affect protein function. Variants that disrupt the consensus splice site are a relatively common cause of aberrant splicing (PMID: 17576681, 9536098). In summary, the available evidence is currently insufficient to determine the role of this variant in disease. Therefore, it has been classified as a Variant of Uncertain Significance.

Blueprint Genetics
Classification: Uncertain significance. Last evaluated: 2021-12-15. Review status: criteria provided, single submitter. Criteria: ACMG Guidelines, 2015. Collection method: clinical testing. Allele origin: germline.

Literature cited by the submitters: PubMed 17576681 (cited by Labcorp Genetics (formerly Invitae), Labcorp); PubMed 9536098 (cited by Labcorp Genetics (formerly Invitae), Labcorp).

NM_001372051.1(CASP8):c.1304G>A (p.Arg435Gln)

Gene: CASP8 (caspase 8; plus strand). Cytogenetic location: 2q33.1.
Variant type: single nucleotide variant.
Coding change: c.1304G>A on transcript NM_001372051.1 (MANE Select); coding-DNA position 1304, G replaced by A.
Protein change: p.Arg435Gln; replaces arginine 435 with glutamine.
Molecular consequence: missense variant. On other transcripts: non-coding transcript variant (22).
Genome position (GRCh38, 1-based): chr2:201,285,317, G>A. VCF-style: chr2-201285317-G-A. GRCh37 (hg19) VCF-style: chr2-202150040-G-A.
Other names: c.1259G>A, p.Arg420Gln (NM_001080124.2, NM_001400658.1, NM_001400659.1 and 5 more transcripts); c.1481G>A, p.Arg494Gln (NM_001080125.2); c.1355G>A, p.Arg452Gln (NM_001228.5); c.1436G>A, p.Arg479Gln (NM_001400642.1); c.1337G>A, p.Arg446Gln (NM_001400645.1); c.1304G>A, p.Arg435Gln (NM_001400648.1, NM_001400651.1, NM_001400653.1 and 5 more transcripts); c.1235G>A, p.Arg412Gln (NM_001400664.1); c.1229G>A, p.Arg410Gln (NM_001400665.1); and 7 more; short protein forms R230Q, R236Q, R366Q, R410Q, R435Q, R494Q, R221Q, R446Q.
Identifiers: ClinVar variation 2155033 (VCV002155033.5), dbSNP rs746401108, ClinGen allele CA2053774.